The following is an entry in ClinVar:

ClinVar aggregate classification (germline): Uncertain significance (1 of 4 stars; one submission).

Allele frequency attached by ClinVar (database versions not stated): TOPMed 0.00002; ExAC 0.00004.

Submission:

Labcorp Genetics (formerly Invitae), Labcorp
Classification: Uncertain significance. Last evaluated: 2025-10-27. Review status: criteria provided, single submitter. Criteria: Invitae Variant Classification Sherloc (09022015). Collection method: clinical testing. Allele origin: germline.
Comment: This sequence change replaces glutamine, which is neutral and polar, with arginine, which is basic and polar, at codon 1328 of the RIMS1 protein (p.Gln1328Arg). This variant is present in population databases (rs778439163, gnomAD 0.01%). This variant has not been reported in the literature in individuals affected with RIMS1-related conditions. ClinVar contains an entry for this variant (Variation ID: 1960037). An algorithm developed to predict the effect of missense changes on protein structure and function (PolyPhen-2) suggests that this variant is likely to be disruptive. In summary, the available evidence is currently insufficient to determine the role of this variant in disease. Therefore, it has been classified as a Variant of Uncertain Significance.

NM_014989.7(RIMS1):c.3983A>G (p.Gln1328Arg)

Gene: RIMS1 (regulating synaptic membrane exocytosis 1; plus strand). Cytogenetic location: 6q13.
Variant type: single nucleotide variant.
Coding change: c.3983A>G on transcript NM_014989.7 (MANE Select); coding-DNA position 3983, A replaced by G.
Protein change: p.Gln1328Arg; replaces glutamine 1328 with arginine.
Molecular consequence: missense variant. On other transcripts: intron variant (24).
Genome position (GRCh38, 1-based): chr6:72,313,525, A>G. VCF-style: chr6-72313525-A-G. GRCh37 (hg19) VCF-style: chr6-73023228-A-G.
Other names: c.1943A>G, p.Gln648Arg (NM_001168407.2); c.1904A>G, p.Gln635Arg (NM_001350414.2); c.2027A>G, p.Gln676Arg (NM_001350415.2); c.1976A>G, p.Gln659Arg (NM_001350416.2); c.1949A>G, p.Gln650Arg (NM_001350418.2); c.2057A>G, p.Gln686Arg (NM_001350420.2); c.1802A>G, p.Gln601Arg (NM_001350421.2); c.1718A>G, p.Gln573Arg (NM_001350423.2, NM_001350444.2); and 51 more; short protein forms Q492R, Q559R, Q567R, Q595R, Q602R, Q618R, Q635R, Q650R.
Identifiers: ClinVar variation 1960037 (VCV001960037.5), dbSNP rs778439163, ClinGen allele CA3886417.
Genomic context (GRCh38, chr6:72,313,525, plus strand): 5'-TCTAATGATGGAGCTCACACTTTCTTGTTTTTAATCTTTAGTATAACATACATAAAGATC[A>G]GTACAGAAGCTGTGATAACGTCTCTGCCAAATCATCAGATAGTGATGTCAGTGATGTTTC-3'
Protein context (NP_055804.2, residues 1318-1338): QYSKYNIHKD[Gln1328Arg]YRSCDNVSAK